The following is an entry in ClinVar:

NM_001277115.2(DNAH11):c.8114A>G (p.His2705Arg)

Gene: DNAH11 (dynein axonemal heavy chain 11; plus strand). Cytogenetic location: 7p15.3.
Variant type: single nucleotide variant.
Coding change: c.8114A>G on transcript NM_001277115.2 (MANE Select); coding-DNA position 8114, A replaced by G.
Protein change: p.His2705Arg; replaces histidine 2705 with arginine.
Molecular consequence: missense variant.
Genome position (GRCh38, 1-based): chr7:21,742,126, A>G. VCF-style: chr7-21742126-A-G. GRCh37 (hg19) VCF-style: chr7-21781744-A-G.
Other names: NM_001277115.2:c.8114A>G; short protein forms H2705R.
Identifiers: ClinVar variation 3776936 (VCV003776936.1).

ClinVar aggregate classification (germline): Uncertain significance (1 of 4 stars; one submission).

Conditions:
Primary ciliary dyskinesia 7. Also called: CILIARY DYSKINESIA, PRIMARY, 7, WITH OR WITHOUT SITUS INVERSUS. Identifiers: Orphanet 244, MedGen C2678473, MONDO:0012748, OMIM 611884.

gnomAD v4.1: 1 of 1,613,874 alleles (0.000062%); highest among the groups gnomAD compares: Non-Finnish European, 0.000085%; no homozygotes.

Submission:

Broad Center for Mendelian Genomics, Broad Institute of MIT and Harvard
Classification: Uncertain significance for Primary ciliary dyskinesia 7. Last evaluated: 2025-02-19. Review status: criteria provided, single submitter. Criteria: ACMG Guidelines, 2015. Collection method: curation. Allele origin: germline. Inheritance: Autosomal recessive inheritance.
Comment: The p.His2705Arg variant in DNAH11 has been reported, in the compound heterozygous state, in 1 individual with primary ciliary dyskinesia (PMID: 20513915), and has been identified in 0.00008% (1/1179812) of European (non-Finnish) chromosomes by the Genome Aggregation Database (gnomAD). Although this variant has been seen in the general population in a heterozygous state, its frequency is low enough to be consistent with a recessive carrier frequency. Computational prediction tools and conservation analyses do not provide strong support for or against an impact to the protein. In summary, the clinical significance of the p.His2705Arg variant is uncertain. ACMG/AMP Criteria applied: PM2_supporting, PM3 (Richards 2015).